The following is an entry in ClinVar:

NM_001199397.3(NEK1):c.3857A>G (p.Glu1286Gly)

Gene: NEK1 (NIMA related kinase 1; minus strand). Cytogenetic location: 4q33.
Variant type: single nucleotide variant.
Coding change: c.3857A>G on transcript NM_001199397.3 (MANE Select); coding-DNA position 3857, A replaced by G.
Protein change: p.Glu1286Gly; replaces glutamic acid 1286 with glycine.
Molecular consequence: missense variant. On other transcripts: non-coding transcript variant (1).
Genome position (GRCh38, 1-based): chr4:169,394,514, T>C on the plus strand (A>G on the coding strand, the complement: NEK1 is on the minus strand). VCF-style: chr4-169394514-T-C. GRCh37 (hg19) VCF-style: chr4-170315665-T-C.
Other names: c.3725A>G, p.Glu1242Gly (NM_001199398.3); c.3566A>G, p.Glu1189Gly (NM_001199399.3); c.3641A>G, p.Glu1214Gly (NM_001199400.3); c.3857A>G, p.Glu1286Gly (NM_001374418.1); c.3773A>G, p.Glu1258Gly (NM_001374419.1, NM_012224.4); c.3722A>G, p.Glu1241Gly (NM_001374420.1); c.3374A>G, p.Glu1125Gly (NM_001374421.1); c.3680A>G, p.Glu1227Gly (NM_001440620.1); and 5 more; short protein forms E1007G, E1051G, E1125G, E1155G, E1183G, E1189G, E1199G, E1214G.
Identifiers: ClinVar variation 4802703 (VCV004802703.1).

ClinVar aggregate classification (germline): Uncertain significance (1 of 4 stars; one submission).

Conditions:
Short-rib thoracic dysplasia 6 with or without polydactyly (SRTD6). Also called: SHORT RIB-POLYDACTYLY SYNDROME, TYPE IIA; SHORT-RIB THORACIC DYSPLASIA 6 WITH POLYDACTYLY; SHORT-RIB THORACIC DYSPLASIA 6 WITHOUT POLYDACTYLY; POLYDACTYLY WITH NEONATAL CHONDRODYSTROPHY, TYPE II; Majewski Syndrome. Identifiers: MedGen C0024507, MONDO:0009894, OMIM 263520.

gnomAD v4.1: 2 of 1,413,390 alleles (0.00014%); highest among the groups gnomAD compares: Non-Finnish European, 0.00019%; no homozygotes.

Submission:

Labcorp Genetics (formerly Invitae), Labcorp
Classification: Uncertain significance for Short-rib thoracic dysplasia 6 with or without polydactyly. Last evaluated: 2025-05-30. Review status: criteria provided, single submitter. Criteria: Invitae Variant Classification Sherloc (09022015). Collection method: clinical testing. Allele origin: germline.
Comment: This sequence change replaces glutamic acid, which is acidic and polar, with glycine, which is neutral and non-polar, at codon 1258 of the NEK1 protein (p.Glu1258Gly). This variant is not present in population databases (gnomAD no frequency). This variant has not been reported in the literature in individuals affected with NEK1-related conditions. Invitae Evidence Modeling of protein sequence and biophysical properties (such as structural, functional, and spatial information, amino acid conservation, physicochemical variation, residue mobility, and thermodynamic stability) indicates that this missense variant is not expected to disrupt NEK1 protein function with a negative predictive value of 95%. In summary, the available evidence is currently insufficient to determine the role of this variant in disease. Therefore, it has been classified as a Variant of Uncertain Significance.